The following is an entry in ClinVar:

ClinVar aggregate classification (germline): Uncertain significance (1 of 4 stars; one submission).

Conditions:
Lipoic acid synthetase deficiency. Also called: HYPERGLYCINEMIA, LACTIC ACIDOSIS, AND SEIZURES. Identifiers: Orphanet 401859, MedGen C3280887, MONDO:0013762, OMIM 614462.

Submission:

Labcorp Genetics (formerly Invitae), Labcorp
Classification: Uncertain significance for Lipoic acid synthetase deficiency. Last evaluated: 2018-05-14. Review status: criteria provided, single submitter. Criteria: Invitae Variant Classification Sherloc (09022015). Collection method: clinical testing. Allele origin: germline.
Comment: In summary, the available evidence is currently insufficient to determine the role of this variant in disease. Therefore, it has been classified as a Variant of Uncertain Significance. Nucleotide substitutions within the consensus splice site are a relatively common cause of aberrant splicing (PMID: 17576681, 9536098). Algorithms developed to predict the effect of sequence changes on RNA splicing suggest that this variant may disrupt the consensus splice site, but this prediction has not been confirmed by published transcriptional studies. This variant has not been reported in the literature in individuals with LIAS-related disease. This variant is not present in population databases (ExAC no frequency). This sequence change falls in intron 5 of the LIAS gene. It does not directly change the encoded amino acid sequence of the LIAS protein, but it affects a nucleotide within the consensus splice site of the intron.

Literature cited by the submitters: PubMed 17576681; PubMed 9536098.

NM_006859.4(LIAS):c.550+4A>G

Gene: LIAS (lipoic acid synthetase; plus strand). Cytogenetic location: 4p14.
Variant type: single nucleotide variant.
Coding change: c.550+4A>G on transcript NM_006859.4 (MANE Select); 4 bases into the intron after coding-DNA position 550, A replaced by G.
Molecular consequence: intron variant.
Genome position (GRCh38, 1-based): chr4:39,465,206, A>G. VCF-style: chr4-39465206-A-G. GRCh37 (hg19) VCF-style: chr4-39466826-A-G.
Other names: c.550+4A>G (NM_194451.3, NM_001278590.2); c.299+1601A>G (NM_001363700.2).
Identifiers: ClinVar variation 573896 (VCV000573896.6), dbSNP rs1560668262, ClinGen allele CA891842576.